The following is an entry in ClinVar:

NM_170606.3(KMT2C):c.5851G>A (p.Asp1951Asn)

Gene: KMT2C (lysine methyltransferase 2C; minus strand). Cytogenetic location: 7q36.1.
Variant type: single nucleotide variant.
Coding change: c.5851G>A on transcript NM_170606.3 (MANE Select); coding-DNA position 5851, G replaced by A.
Protein change: p.Asp1951Asn; replaces aspartic acid 1951 with asparagine.
Molecular consequence: missense variant.
Genome position (GRCh38, 1-based): chr7:152,182,009, C>T on the plus strand (G>A on the coding strand, the complement: KMT2C is on the minus strand). VCF-style: chr7-152182009-C-T. GRCh37 (hg19) VCF-style: chr7-151879094-C-T.
Other names: c.5851G>A (NM_170606.2); short protein forms D1951N.
Identifiers: ClinVar variation 1379586 (VCV001379586.13), dbSNP rs781220804, ClinGen allele CA4580174.

ClinVar aggregate classification (germline): Conflicting classifications of pathogenicity. Review status: criteria provided, conflicting classifications (1 of 4 stars). 4 submissions from 4 submitters: Uncertain significance (3); Likely benign (1). Last evaluated 2025-09-01.

Conditions:
Kleefstra syndrome 2 (KLEFS2). Identifiers: MedGen C4540395, MONDO:0054701, OMIM 617768.
Inborn genetic diseases. Identifiers: MedGen C0950123, MeSH D030342.

Allele frequency attached by ClinVar (database versions not stated): ExAC 0.00001; gnomAD 0.00001; gnomAD exomes 0.00001; TOPMed 0.00001.
gnomAD v4.1: 19 of 1,614,046 alleles (0.0012%); highest among the groups gnomAD compares: Non-Finnish European, 0.0015%; no homozygotes.

Submissions (4):

Ambry Genetics
Classification: Uncertain significance for Inborn genetic diseases. Last evaluated: 2025-09-01. Review status: criteria provided, single submitter. Criteria: Ambry Variant Classification Scheme 2023. Collection method: clinical testing. Allele origin: germline.

Fulgent Genetics
Classification: Uncertain significance for Kleefstra syndrome 2. Last evaluated: 2024-06-13. Review status: criteria provided, single submitter. Criteria: ACMG Guidelines, 2015. Collection method: clinical testing. Allele origin: germline.

Women's Health and Genetics/Laboratory Corporation of America, LabCorp
Classification: Uncertain significance. Last evaluated: 2023-01-16. Review status: criteria provided, single submitter. Criteria: LabCorp Variant Classification Summary - May 2015. Collection method: clinical testing. Allele origin: germline.
Comment: Variant summary: KMT2C c.5851G>A (p.Asp1951Asn) results in a conservative amino acid change in the encoded protein sequence. Three of five in-silico tools predict a benign effect of the variant on protein function. The variant allele was found at a frequency of 8e-06 in 251182 control chromosomes (gnomAD). The available data on variant occurrences in the general population are insufficient to allow any conclusion about variant significance. To our knowledge, no occurrence of c.5851G>A in individuals affected with Kleefstra Syndrome 2 and no experimental evidence demonstrating its impact on protein function have been reported. Two clinical diagnostic laboratories have submitted clinical-significance assessments for this variant to ClinVar after 2014 without evidence for independent evaluation. All laboratories classified the variant as uncertain significance. Based on the evidence outlined above, the variant was classified as uncertain significance.

Labcorp Genetics (formerly Invitae), Labcorp
Classification: Likely benign. Last evaluated: 2022-08-23. Review status: criteria provided, single submitter. Criteria: Invitae Variant Classification Sherloc (09022015). Collection method: clinical testing. Allele origin: germline.